The following is an entry in ClinVar:

NM_033109.5(PNPT1):c.937G>A (p.Val313Ile)

Gene: PNPT1 (polyribonucleotide nucleotidyltransferase 1; minus strand). Cytogenetic location: 2p16.1.
Variant type: single nucleotide variant.
Coding change: c.937G>A on transcript NM_033109.5 (MANE Select); coding-DNA position 937, G replaced by A.
Protein change: p.Val313Ile; replaces valine 313 with isoleucine.
Molecular consequence: missense variant.
Genome position (GRCh38, 1-based): chr2:55,671,358, C>T on the plus strand (G>A on the coding strand, the complement: PNPT1 is on the minus strand). VCF-style: chr2-55671358-C-T. GRCh37 (hg19) VCF-style: chr2-55898493-C-T.
Other names: short protein forms V313I.
Identifiers: ClinVar variation 2862046 (VCV002862046.3), dbSNP rs1425100064, ClinGen allele CA346931711.
Genomic context (GRCh38, chr2:55,671,358, plus strand): 5'-ATAAAATAAAATAAAATTTACCTTTTAGTTGTTCCTCCGTATCTAATCTTATTTTGTTAA[C>T]AGCTTCATCTCTGGAAACCTAAAAGAAAGTTGAGGTTCAGTTATTACATATACATGACAA-3'
Protein context (NP_149100.2, residues 303-323): EHDKVSRDEA[Val313Ile]NKIRLDTEEQ

ClinVar aggregate classification (germline): Uncertain significance (1 of 4 stars; one submission).

Allele frequency attached by ClinVar (database versions not stated): gnomAD exomes below 0.00001; gnomAD 0.00001; TOPMed 0.00001.

Submission:

Labcorp Genetics (formerly Invitae), Labcorp
Classification: Uncertain significance. Last evaluated: 2023-09-19. Review status: criteria provided, single submitter. Criteria: Invitae Variant Classification Sherloc (09022015). Collection method: clinical testing. Allele origin: germline.
Comment: This sequence change replaces valine, which is neutral and non-polar, with isoleucine, which is neutral and non-polar, at codon 313 of the PNPT1 protein (p.Val313Ile). This variant is present in population databases (no rsID available, gnomAD 0.06%). In summary, the available evidence is currently insufficient to determine the role of this variant in disease. Therefore, it has been classified as a Variant of Uncertain Significance. Advanced modeling of protein sequence and biophysical properties (such as structural, functional, and spatial information, amino acid conservation, physicochemical variation, residue mobility, and thermodynamic stability) performed at Invitae indicates that this missense variant is not expected to disrupt PNPT1 protein function. This variant has not been reported in the literature in individuals affected with PNPT1-related conditions.